The following is an entry in ClinVar:

ClinVar aggregate classification (germline): Uncertain significance. Review status: criteria provided, multiple submitters, no conflicts (2 of 4 stars). 3 submissions from 3 submitters: Uncertain significance (3). Last evaluated 2026-04-07.

Conditions:
Inborn genetic diseases. Identifiers: MedGen C0950123, MeSH D030342.
RP1-related disorder. Also called: RP1-related condition.

Allele frequency attached by ClinVar (database versions not stated): gnomAD 0.00001; gnomAD exomes 0.00002 and 0.00003; TOPMed 0.00002; ExAC 0.00003.
gnomAD v4.1: 39 of 1,613,708 alleles (0.0024%); highest among the groups gnomAD compares: Non-Finnish European, 0.0031%; no homozygotes.

Submissions (3):

PreventionGenetics, part of Exact Sciences
Classification: Uncertain significance for RP1-related condition. Last evaluated: 2026-04-07. Review status: criteria provided, single submitter. Criteria: ACMG Guidelines, 2015. Collection method: clinical testing. Allele origin: germline.
Comment: The RP1 c.2627A>C variant is predicted to result in the amino acid substitution p.Lys876Thr. To our knowledge, this variant has not been reported in the literature. This variant is present in 0.0044% of alleles in individuals of European (Non-Finnish) descent in gnomAD. At this time, the clinical significance of this variant is uncertain due to the absence of conclusive functional and genetic evidence.

Labcorp Genetics (formerly Invitae), Labcorp
Classification: Uncertain significance. Last evaluated: 2024-11-05. Review status: criteria provided, single submitter. Criteria: Invitae Variant Classification Sherloc (09022015). Collection method: clinical testing. Allele origin: germline.
Comment: This sequence change replaces lysine, which is basic and polar, with threonine, which is neutral and polar, at codon 876 of the RP1 protein (p.Lys876Thr). This variant is present in population databases (rs760246495, gnomAD 0.004%). This variant has not been reported in the literature in individuals affected with RP1-related conditions. ClinVar contains an entry for this variant (Variation ID: 836412). An algorithm developed to predict the effect of missense changes on protein structure and function (PolyPhen-2) suggests that this variant is likely to be disruptive. In summary, the available evidence is currently insufficient to determine the role of this variant in disease. Therefore, it has been classified as a Variant of Uncertain Significance.

Ambry Genetics
Classification: Uncertain significance for Inborn genetic diseases. Last evaluated: 2023-10-13. Review status: criteria provided, single submitter. Criteria: Ambry Variant Classification Scheme 2023. Collection method: clinical testing. Allele origin: germline.

NM_006269.2(RP1):c.2627A>C (p.Lys876Thr)

Gene: RP1 (RP1 axonemal microtubule associated; plus strand). Cytogenetic location: 8q12.1.
Variant type: single nucleotide variant.
Coding change: c.2627A>C on transcript NM_006269.2 (MANE Select); coding-DNA position 2627, A replaced by C.
Protein change: p.Lys876Thr; replaces lysine 876 with threonine.
Molecular consequence: missense variant. On other transcripts: intron variant (1).
Genome position (GRCh38, 1-based): chr8:54,626,509, A>C. VCF-style: chr8-54626509-A-C. GRCh37 (hg19) VCF-style: chr8-55539069-A-C.
Other names: c.787+4221A>C (NM_001375654.1); short protein forms K876T.
Identifiers: ClinVar variation 836412 (VCV000836412.11), dbSNP rs760246495, ClinGen allele CA4751567.